The following is an entry in ClinVar:

NM_025114.4(CEP290):c.1172A>G (p.Glu391Gly)

Gene: CEP290 (centrosomal protein 290; minus strand). Cytogenetic location: 12q21.32.
Variant type: single nucleotide variant.
Coding change: c.1172A>G on transcript NM_025114.4 (MANE Select); coding-DNA position 1172, A replaced by G.
Protein change: p.Glu391Gly; replaces glutamic acid 391 with glycine.
Molecular consequence: missense variant.
Genome position (GRCh38, 1-based): chr12:88,125,263, T>C on the plus strand (A>G on the coding strand, the complement: CEP290 is on the minus strand). VCF-style: chr12-88125263-T-C. GRCh37 (hg19) VCF-style: chr12-88519040-T-C.
Other names: short protein forms E391G.
Identifiers: ClinVar variation 1907623 (VCV001907623.5), dbSNP rs2501270995, ClinGen allele CA385981107.

ClinVar aggregate classification (germline): Uncertain significance (1 of 4 stars; one submission).

Conditions:
Joubert syndrome. Also called: CEREBELLOPARENCHYMAL DISORDER IV; JOUBERT-BOLTSHAUSER SYNDROME; Familial aplasia of the vermis. Identifiers: Orphanet 475, MedGen C5979921, MONDO:0018772.
Meckel-Gruber syndrome. Also called: DYSENCEPHALIA SPLANCHNOCYSTICA; GRUBER SYNDROME; Dysencephalia splachnocystica. Identifiers: Orphanet 564, MedGen C0265215, MONDO:0018921.
Nephronophthisis. Also called: Juvenile Nephronophthisis. Identifiers: Orphanet 655, MedGen C0687120, MONDO:0019005, HP:0000090.

Allele frequency attached by ClinVar (database versions not stated): gnomAD exomes below 0.00001.
gnomAD v4.1: 1 of 885,178 alleles (0.00011%); highest among the groups gnomAD compares: Non-Finnish European, 0.00016%; no homozygotes.

Submission:

Labcorp Genetics (formerly Invitae), Labcorp
Classification: Uncertain significance for Joubert syndrome; Meckel-Gruber syndrome; Nephronophthisis. Last evaluated: 2022-04-13. Review status: criteria provided, single submitter. Criteria: Invitae Variant Classification Sherloc (09022015). Collection method: clinical testing. Allele origin: germline.
Comment: This sequence change replaces glutamic acid, which is acidic and polar, with glycine, which is neutral and non-polar, at codon 391 of the CEP290 protein (p.Glu391Gly). This variant is not present in population databases (gnomAD no frequency). This variant has not been reported in the literature in individuals affected with CEP290-related conditions. Algorithms developed to predict the effect of missense changes on protein structure and function are either unavailable or do not agree on the potential impact of this missense change (SIFT: "Deleterious"; PolyPhen-2: "Possibly Damaging"; Align-GVGD: "Class C0"). In summary, the available evidence is currently insufficient to determine the role of this variant in disease. Therefore, it has been classified as a Variant of Uncertain Significance.